The following is an entry in ClinVar:

ClinVar aggregate classification (germline): Benign/Likely benign. Review status: criteria provided, multiple submitters, no conflicts (2 of 4 stars). 3 submissions from 3 submitters: Benign (1); Likely benign (2). Last evaluated 2025-10-01.

Conditions:
Hereditary cancer-predisposing syndrome. Also called: Tumor predisposition; Hereditary Cancer Syndrome; Hereditary neoplastic syndrome; Neoplastic Syndromes, Hereditary. Identifiers: Orphanet 140162, MedGen C0027672, MeSH D009386, MONDO:0015356.
Pheochromocytoma/paraganglioma syndrome 5. Also called: Paragangliomas 5; SDHA-Related Hereditary Paraganglioma-Pheochromocytoma Syndrome. Identifiers: Orphanet 29072, MedGen C3279992, MONDO:0013602, OMIM 614165.
Mitochondrial complex II deficiency, nuclear type 1. Also called: SUCCINATE CoQ REDUCTASE DEFICIENCY. Identifiers: Orphanet 3208, MedGen C5700310, MONDO:0100294, OMIM 252011.

Submissions (3):

Labcorp Genetics (formerly Invitae), Labcorp
Classification: Likely benign for Pheochromocytoma/paraganglioma syndrome 5; Mitochondrial complex II deficiency, nuclear type 1. Last evaluated: 2025-10-01. Review status: criteria provided, single submitter. Criteria: Invitae Variant Classification Sherloc (09022015). Collection method: clinical testing. Allele origin: germline.

Myriad Genetics, Inc.
Classification: Benign for Pheochromocytoma/paraganglioma syndrome 5. Last evaluated: 2025-02-28. Review status: criteria provided, single submitter. Criteria: Myriad Autosomal Dominant, Autosomal Recessive and X-Linked Classification Criteria (2023). Collection method: clinical testing. Allele origin: unknown.
Comment: This variant is considered benign. This variant is a silent/synonymous amino acid change and it is not expected to impact splicing.

Ambry Genetics
Classification: Likely benign for Hereditary cancer-predisposing syndrome. Last evaluated: 2017-10-12. Review status: criteria provided, single submitter. Criteria: Ambry Variant Classification Scheme 2023. Collection method: clinical testing. Allele origin: germline.

NM_004168.4(SDHA):c.348G>A (p.Glu116=)

Gene: SDHA (succinate dehydrogenase complex flavoprotein subunit A; plus strand). Cytogenetic location: 5p15.33.
Variant type: single nucleotide variant.
Coding change: c.348G>A on transcript NM_004168.4 (MANE Select); coding-DNA position 348, G replaced by A.
Protein change: p.Glu116=; no amino-acid change (glutamic acid 116 retained).
Molecular consequence: synonymous variant. On other transcripts: intron variant (1).
Genome position (GRCh38, 1-based): chr5:225,454, G>A. VCF-style: chr5-225454-G-A. GRCh37 (hg19) VCF-style: chr5-225569-G-A.
Other names: c.348G>A, p.Glu116= (NM_001330758.2); c.313-429G>A (NM_001294332.2).
Identifiers: ClinVar variation 1540724 (VCV001540724.11), dbSNP rs2126546824, ClinGen allele CA442690968.